The following is an entry in ClinVar:

ClinVar aggregate classification (germline): Uncertain significance. Review status: criteria provided, multiple submitters, no conflicts (2 of 4 stars). 2 submissions from 2 submitters: Uncertain significance (2). Last evaluated 2025-12-29.

Conditions:
Hereditary cancer-predisposing syndrome. Also called: Neoplastic Syndromes, Hereditary; Tumor predisposition; Hereditary Cancer Syndrome; Hereditary neoplastic syndrome. Identifiers: Orphanet 140162, MedGen C0027672, MeSH D009386, MONDO:0015356.
Familial cancer of breast. Also called: BREAST CANCER, FAMILIAL; Hereditary breast cancer; hereditary breast carcinoma. Identifiers: Orphanet 227535, MedGen C0346153, MONDO:0016419, OMIM 114480. Disease mechanism: loss of function.
Fanconi anemia complementation group J. Also called: BRIP1-Related Fanconi Anemia. Identifiers: Orphanet 84, MedGen C1836860, MONDO:0012187, OMIM 609054.

Submissions (2):

Ambry Genetics
Classification: Uncertain significance for Hereditary cancer-predisposing syndrome. Last evaluated: 2025-12-29. Review status: criteria provided, single submitter. Criteria: Ambry Variant Classification Scheme 2023. Collection method: clinical testing. Allele origin: germline.
Comment: The p.L340P variant (also known as c.1019T>C), located in coding exon 7 of the BRIP1 gene, results from a T to C substitution at nucleotide position 1019. The leucine at codon 340 is replaced by proline, an amino acid with similar properties. This amino acid position is conserved. In addition, this alteration is predicted to be deleterious by in silico analysis. Based on the available evidence, the clinical significance of this variant remains unclear.

Labcorp Genetics (formerly Invitae), Labcorp
Classification: Uncertain significance for Familial cancer of breast; Fanconi anemia complementation group J. Last evaluated: 2025-07-22. Review status: criteria provided, single submitter. Criteria: Invitae Variant Classification Sherloc (09022015). Collection method: clinical testing. Allele origin: germline.
Comment: This sequence change replaces leucine, which is neutral and non-polar, with proline, which is neutral and non-polar, at codon 340 of the BRIP1 protein (p.Leu340Pro). This variant is not present in population databases (gnomAD no frequency). This variant has not been reported in the literature in individuals affected with BRIP1-related conditions. ClinVar contains an entry for this variant (Variation ID: 2095538). Invitae Evidence Modeling of protein sequence and biophysical properties (such as structural, functional, and spatial information, amino acid conservation, physicochemical variation, residue mobility, and thermodynamic stability) indicates that this missense variant is expected to disrupt BRIP1 protein function with a positive predictive value of 95%. In summary, the available evidence is currently insufficient to determine the role of this variant in disease. Therefore, it has been classified as a Variant of Uncertain Significance.

NM_032043.3(BRIP1):c.1019T>C (p.Leu340Pro)

Gene: BRIP1 (BRCA1 interacting DNA helicase 1; minus strand). Cytogenetic location: 17q23.2.
Variant type: single nucleotide variant.
Coding change: c.1019T>C on transcript NM_032043.3 (MANE Select); coding-DNA position 1019, T replaced by C.
Protein change: p.Leu340Pro; replaces leucine 340 with proline.
Molecular consequence: missense variant.
Genome position (GRCh38, 1-based): chr17:61,801,374, A>G on the plus strand (T>C on the coding strand, the complement: BRIP1 is on the minus strand). VCF-style: chr17-61801374-A-G. GRCh37 (hg19) VCF-style: chr17-59878735-A-G.
Other names: short protein forms L340P.
Identifiers: ClinVar variation 2095538 (VCV002095538.5), dbSNP rs2145337603, ClinGen allele CA400484099.
Genomic context (GRCh38, chr17:61,801,374, plus strand): 5'-TGTATTAGTTCTCGGGCTGTGTAATATGGACAGGCCTTTAGTTTCTTCCCCAGGCTGACA[A>G]GTTCTTCTATATCCCAGGCTTTGCACATCCCTTGGAAAGTCTGTAATGTGTGCTGATCAC-3'
Protein context (NP_114432.2, residues 330-350): GMCKAWDIEE[Leu340Pro]VSLGKKLKAC